The following is an entry in ClinVar:

NM_005902.4(SMAD3):c.1138T>G (p.Trp380Gly)

Gene: SMAD3 (SMAD family member 3; plus strand). Cytogenetic location: 15q22.33.
Variant type: single nucleotide variant.
Coding change: c.1138T>G on transcript NM_005902.4 (MANE Select); coding-DNA position 1138, T replaced by G.
Protein change: p.Trp380Gly; replaces tryptophan 380 with glycine.
Molecular consequence: missense variant.
Genome position (GRCh38, 1-based): chr15:67,187,493, T>G. VCF-style: chr15-67187493-T-G. GRCh37 (hg19) VCF-style: chr15-67479831-T-G.
Other names: c.823T>G, p.Trp275Gly (NM_001145102.2); c.1006T>G, p.Trp336Gly (NM_001145103.2); c.553T>G, p.Trp185Gly (NM_001145104.2); short protein forms W185G, W275G, W336G, W380G.
Identifiers: ClinVar variation 943009 (VCV000943009.8), dbSNP rs1963252441, ClinGen allele CA392958336.

ClinVar aggregate classification (germline): Uncertain significance (1 of 4 stars; one submission).

Conditions:
Familial thoracic aortic aneurysm and aortic dissection (TAAD). Also called: Thoracic aortic aneurysms and dissections. Identifiers: Orphanet 91387, MedGen C4707243, MONDO:0019625.

Allele frequency attached by ClinVar (database versions not stated): gnomAD exomes below 0.00001.
gnomAD v4.1: 1 of 1,614,108 alleles (0.000062%); highest among the groups gnomAD compares: Non-Finnish European, 0.000085%; no homozygotes.

Submission:

Labcorp Genetics (formerly Invitae), Labcorp
Classification: Uncertain significance for Familial thoracic aortic aneurysm and aortic dissection. Last evaluated: 2020-02-12. Review status: criteria provided, single submitter. Criteria: Invitae Variant Classification Sherloc (09022015). Collection method: clinical testing. Allele origin: germline.
Comment: In summary, the available evidence is currently insufficient to determine the role of this variant in disease. Therefore, it has been classified as a Variant of Uncertain Significance. Algorithms developed to predict the effect of missense changes on protein structure and function are either unavailable or do not agree on the potential impact of this missense change (SIFT: "Not Available"; PolyPhen-2: "Probably Damaging"; Align-GVGD: "Not Available"). This variant has not been reported in the literature in individuals with SMAD3-related conditions. This variant is not present in population databases (ExAC no frequency). This sequence change replaces tryptophan with glycine at codon 380 of the SMAD3 protein (p.Trp380Gly). The tryptophan residue is highly conserved and there is a large physicochemical difference between tryptophan and glycine.